The following is an entry in ClinVar:

ClinVar aggregate classification (germline): Uncertain significance (1 of 4 stars; one submission).

Conditions:
Hereditary sensory and autonomic neuropathy type 6. Also called: HSAN VI; Neuropathy, hereditary sensory and autonomic, type VI. Identifiers: Orphanet 314381, MedGen C3539003, MONDO:0013839, OMIM 614653.
Epidermolysis bullosa simplex 3, localized or generalized intermediate, with BP230 deficiency (EBS3). Also called: Epidermolysis bullosa simplex, autosomal recessive 2; Epidermolysis bullosa simplex due to BP230 deficiency. Identifiers: Orphanet 412181, MedGen C3809470, MONDO:0014180, OMIM 615425.

Allele frequency attached by ClinVar (database versions not stated): ExAC 0.00001; gnomAD 0.00001; TOPMed 0.00002.
gnomAD v4.1: 5 of 1,613,492 alleles (0.00031%); highest among the groups gnomAD compares: African/African-American, 0.0067%; no homozygotes.

Submission:

Labcorp Genetics (formerly Invitae), Labcorp
Classification: Uncertain significance for Epidermolysis bullosa simplex 3, localized or generalized intermediate, with BP230 deficiency; Hereditary sensory and autonomic neuropathy type 6. Last evaluated: 2021-12-17. Review status: criteria provided, single submitter. Criteria: Invitae Variant Classification Sherloc (09022015). Collection method: clinical testing. Allele origin: germline.
Comment: In summary, the available evidence is currently insufficient to determine the role of this variant in disease. Therefore, it has been classified as a Variant of Uncertain Significance. Experimental studies and prediction algorithms are not available or were not evaluated, and the functional significance of this variant is currently unknown. This variant has not been reported in the literature in individuals affected with DST-related conditions. This variant is present in population databases (rs773529209, gnomAD 0.007%). This sequence change replaces leucine, which is neutral and non-polar, with valine, which is neutral and non-polar, at codon 3813 of the DST protein (p.Leu3813Val). The DST gene has multiple clinically relevant transcripts. This variant occurs in alternate transcript NM_015548.4, and corresponds to NM_001723.5:c.*108794C>G in the primary transcript.

NM_001374736.1(DST):c.19306C>G (p.Leu6436Val)

Gene: DST (dystonin; minus strand). Cytogenetic location: 6p12.1.
Variant type: single nucleotide variant.
Coding change: c.19306C>G on transcript NM_001374736.1 (MANE Select); coding-DNA position 19306, C replaced by G.
Protein change: p.Leu6436Val; replaces leucine 6436 with valine.
Molecular consequence: missense variant.
Genome position (GRCh38, 1-based): chr6:56,506,723, G>C on the plus strand (C>G on the coding strand, the complement: DST is on the minus strand). VCF-style: chr6-56506723-G-C. GRCh37 (hg19) VCF-style: chr6-56371521-G-C.
Other names: c.12949C>G, p.Leu4317Val (NM_001144769.5); c.12535C>G, p.Leu4179Val (NM_001144770.2); c.19306C>G, p.Leu6436Val (NM_001374722.1); c.18346C>G, p.Leu6116Val (NM_001374729.1); c.12088C>G, p.Leu4030Val (NM_001374730.1); c.19333C>G, p.Leu6445Val (NM_001374734.1); c.12415C>G, p.Leu4139Val (NM_001386100.1, NM_183380.4); c.11437C>G, p.Leu3813Val (NM_015548.5); short protein forms L4030V, L4139V, L6436V, L3813V, L6116V, L6445V, L4179V, L4317V.
Identifiers: ClinVar variation 1930413 (VCV001930413.5), dbSNP rs773529209, ClinGen allele CA3867038.